The following is an entry in ClinVar:

NM_003126.4(SPTA1):c.122G>C (p.Arg41Pro)

Gene: SPTA1 (spectrin alpha, erythrocytic 1; minus strand). Cytogenetic location: 1q23.1.
Variant type: single nucleotide variant.
Coding change: c.122G>C on transcript NM_003126.4 (MANE Select); coding-DNA position 122, G replaced by C.
Protein change: p.Arg41Pro; replaces arginine 41 with proline.
Molecular consequence: missense variant.
Genome position (GRCh38, 1-based): chr1:158,685,250, C>G on the plus strand (G>C on the coding strand, the complement: SPTA1 is on the minus strand). VCF-style: chr1-158685250-C-G. GRCh37 (hg19) VCF-style: chr1-158655040-C-G.
Other names: short protein forms R41P.
Identifiers: ClinVar variation 4997013 (VCV004997013.1).

ClinVar aggregate classification (germline): Uncertain significance (1 of 4 stars; one submission).

Conditions:
SPTA1-related disorder. Also called: SPTA1-related disorders; SPTA1-related condition.

gnomAD v4.1: 1 of 1,613,650 alleles (0.000062%); highest among the groups gnomAD compares: Non-Finnish European, 0.000085%; no homozygotes.

Submission:

PreventionGenetics, part of Exact Sciences
Classification: Uncertain significance for SPTA1-related condition. Last evaluated: 2025-01-02. Review status: criteria provided, single submitter. Criteria: ACMG Guidelines, 2015. Collection method: clinical testing. Allele origin: germline.
Comment: The SPTA1 c.122G>C variant is predicted to result in the amino acid substitution p.Arg41Pro. To our knowledge, this variant has not been reported in the literature. This variant is reported in 0.00090% of alleles in individuals of European (Non-Finnish) descent in gnomAD. Of note, a different variant impacting the same amino acid (p.Arg41Trp) has been documented in patients with elliptocytosis (variant referred to as Spectrin Tunis (Sp alpha I/78) in Morle et al. 1989. PubMed ID: 2568861). Although we suspect that the c.122G>C (p.Arg41Pro) variant may be pathogenic, at this time, the clinical significance of this variant is uncertain due to the absence of conclusive functional and genetic evidence.